The following is an entry in ClinVar:

ClinVar aggregate classification (germline): Likely pathogenic. Review status: criteria provided, multiple submitters, no conflicts (2 of 4 stars). 2 submissions from 2 submitters: Likely pathogenic (2). Last evaluated 2023-04-01.

Conditions:
Tyrosinase-positive oculocutaneous albinism (OCA2). Also called: ALBINISM II; Albinism, oculocutaneous, type II; Oculocutaneous albinism type 2. Identifiers: Orphanet 79432, MedGen C0268495, MONDO:0008746, OMIM 203200.

Allele frequency attached by ClinVar (database versions not stated): gnomAD exomes below 0.00001; ExAC 0.00001.
gnomAD v4.1: 1 of 1,612,648 alleles (0.000062%); highest among the groups gnomAD compares: Non-Finnish European, 0.000085%; no homozygotes.

Submissions (2):

Labcorp Genetics (formerly Invitae), Labcorp
Classification: Likely pathogenic. Last evaluated: 2023-04-01. Review status: criteria provided, single submitter. Criteria: Invitae Variant Classification Sherloc (09022015). Collection method: clinical testing. Allele origin: germline.
Comment: This sequence change affects a donor splice site in intron 4 of the OCA2 gene. It is expected to disrupt RNA splicing. Variants that disrupt the donor or acceptor splice site typically lead to a loss of protein function (PMID: 16199547), and loss-of-function variants in OCA2 are known to be pathogenic (PMID: 19865097, 21541274). This variant is present in population databases (rs774784508, gnomAD 0.0009%). This variant has not been reported in the literature in individuals affected with OCA2-related conditions. ClinVar contains an entry for this variant (Variation ID: 1705308). In summary, the currently available evidence indicates that the variant is pathogenic, but additional data are needed to prove that conclusively. Therefore, this variant has been classified as Likely Pathogenic. Algorithms developed to predict the effect of sequence changes on RNA splicing suggest that this variant may disrupt the consensus splice site.

3billion
Classification: Likely pathogenic for Tyrosinase-positive oculocutaneous albinism. Last evaluated: 2022-09-01. Review status: criteria provided, single submitter. Criteria: ACMG Guidelines, 2015. Collection method: clinical testing. Allele origin: germline. Affected: yes. Observed: 1 heterozygote.
Comment: The variant is observed at an extremely low frequency in the gnomAD v2.1.1 dataset (total allele frequency: <0.001%). It is predicted to alter splicing, resulting in a loss or disruption of normal protein function. Multiple pathogenic loss-of-function variants are reported downstream of the variant. Therefore, this variant is classified as Likely pathogenic according to the recommendation of ACMG/AMP guideline.

Literature cited by the submitters: PubMed 16199547 (cited by Labcorp Genetics (formerly Invitae), Labcorp); PubMed 19865097 (cited by Labcorp Genetics (formerly Invitae), Labcorp); PubMed 21541274 (cited by Labcorp Genetics (formerly Invitae), Labcorp).

NM_000275.3(OCA2):c.515+1G>A

Gene: OCA2 (OCA2 melanosomal transmembrane protein; minus strand). Cytogenetic location: 15q13.1.
Variant type: single nucleotide variant.
Coding change: c.515+1G>A on transcript NM_000275.3 (MANE Select); the canonical splice donor site of the intron after coding-DNA position 515, G replaced by A.
Molecular consequence: splice donor variant.
Genome position (GRCh38, 1-based): chr15:28,027,870, C>T on the plus strand (G>A on the coding strand, the complement: OCA2 is on the minus strand). VCF-style: chr15-28027870-C-T. GRCh37 (hg19) VCF-style: chr15-28273016-C-T.
Other names: c.515+1G>A (NM_001300984.2).
Identifiers: ClinVar variation 1705308 (VCV001705308.4), dbSNP rs774784508, ClinGen allele CA7439479.
Genomic context (GRCh38, chr15:28,027,870, plus strand): 5'-CATGTAGGACGCGATGTGCGGCCACCGCTGCTGCCAGGGTGGGCACCCCAAGTCCGCCTA[C>T]CTCAGCTTGGAAAGACGGAGTCGGATGTGCGGGCTGTCCAGAAGGTCTCCCTTCTCGGAG-3'